The following is an entry in ClinVar:

ClinVar aggregate classification (germline): Benign. Review status: criteria provided, multiple submitters, no conflicts (2 of 4 stars). 3 submissions from 3 submitters: Benign (3). Last evaluated 2022-10-01.

Allele frequency attached by ClinVar (database versions not stated): 1000 Genomes Project 0.00220; 1000 Genomes Project 30x 0.00234; ESP Exome Variant Server 0.00331; ExAC 0.00342; gnomAD exomes 0.00354 and 0.00427; gnomAD 0.00361 and 0.00363; TOPMed 0.00406.
gnomAD v4.1: 6,786 of 1,612,612 alleles (0.42%); highest among the groups gnomAD compares: Admixed American, 0.52%; 35 homozygotes.

Submissions (9):

CeGaT Center for Human Genetics Tuebingen
Classification: Benign. Last evaluated: 2022-10-01. Review status: criteria provided, single submitter. Criteria: CeGaT Center For Human Genetics Tuebingen Variant Classification Criteria Version 2. Collection method: clinical testing. Allele origin: germline. Affected: yes. Observed: 1 variant allele.
Comment: POM121: BP4, BS1, BS2

Labcorp Genetics (formerly Invitae), Labcorp
Classification: Benign. Last evaluated: 2019-12-31. Review status: criteria provided, single submitter. Criteria: Invitae Variant Classification Sherloc (09022015). Collection method: clinical testing. Allele origin: germline.

Breakthrough Genomics
Classification: Benign. Review status: criteria provided, single submitter. Criteria: ACMG Guidelines, 2015. Collection method: not provided. Allele origin: germline. Inheritance: Unknown mechanism. Affected: yes.

Dr. Peter K. Rogan Lab, Western University
No classification provided (evidence only). Condition: Familial cancer of breast. Review status: no classification provided. Collection method: in vitro. Allele origin: not applicable. Functional consequence: retained intron. Not counted in ClinVar's aggregate classification.

Dr. Peter K. Rogan Lab, Western University
No classification provided (evidence only). Condition: Familial cancer of breast. Review status: no classification provided. Collection method: in vitro. Allele origin: not applicable. Functional consequence: retained intron. Not counted in ClinVar's aggregate classification.

Dr. Peter K. Rogan Lab, Western University
No classification provided (evidence only). Condition: Cervical cancer. Review status: no classification provided. Collection method: in vitro. Allele origin: not applicable. Functional consequence: retained intron. Not counted in ClinVar's aggregate classification.

Dr. Peter K. Rogan Lab, Western University
No classification provided (evidence only). Condition: Cholangiocarcinoma. Review status: no classification provided. Collection method: in vitro. Allele origin: not applicable. Functional consequence: retained intron. Not counted in ClinVar's aggregate classification.

Dr. Peter K. Rogan Lab, Western University
No classification provided (evidence only). Condition: Gastric cancer. Review status: no classification provided. Collection method: in vitro. Allele origin: not applicable. Functional consequence: retained intron. Not counted in ClinVar's aggregate classification.

Dr. Peter K. Rogan Lab, Western University
No classification provided (evidence only). Condition: Chronic lymphocytic leukemia/small lymphocytic lymphoma. Review status: no classification provided. Collection method: in vitro. Allele origin: not applicable. Functional consequence: retained intron. Not counted in ClinVar's aggregate classification.

NM_001387691.1(POM121):c.1368-7C>G

Gene: POM121 (POM121 transmembrane nucleoporin; plus strand). Cytogenetic location: 7q11.23.
Variant type: single nucleotide variant.
Coding change: c.1368-7C>G on transcript NM_001387691.1 (MANE Select); 7 bases into the intron before coding-DNA position 1368, C replaced by G.
Molecular consequence: intron variant.
Genome position (GRCh38, 1-based): chr7:72,939,329, C>G. VCF-style: chr7-72939329-C-G. GRCh37 (hg19) VCF-style: chr7-72409868-C-G.
Other names: NC_000007.13:g.72409868C>G; c.573-7C>G (NM_001257190.3, NM_001387688.1, NM_001367610.1 and 16 more transcripts); c.481-1085C>G (NM_001387705.1); c.1368-7C>G (NM_001387692.1); c.1276-1085C>G (NM_001387693.1).
Identifiers: ClinVar variation 713156 (VCV000713156.30), dbSNP rs189678402, ClinGen allele CA4283373.